The following is an entry in ClinVar:

ClinVar aggregate classification (germline): Likely benign. Review status: criteria provided, multiple submitters, no conflicts (2 of 4 stars). 2 submissions from 2 submitters: Likely benign (2). Last evaluated 2025-11-25.

Conditions:
NYX-related disorder. Also called: NYX-related condition.

Allele frequency attached by ClinVar (database versions not stated): gnomAD exomes 0.00002; gnomAD 0.00006 and 0.00007; TOPMed 0.00006; ExAC 0.00013.

Submissions (2):

PreventionGenetics, part of Exact Sciences
Classification: Likely benign for NYX-related condition. Last evaluated: 2025-11-25. Review status: criteria provided, single submitter. Criteria: ACMG Guidelines, 2015. Collection method: clinical testing. Allele origin: germline.
Comment: This variant is classified as likely benign based on ACMG/AMP sequence variant interpretation guidelines (Richards et al. 2015 PMID: 25741868, with internal and published modifications).

Labcorp Genetics (formerly Invitae), Labcorp
Classification: Likely benign. Last evaluated: 2025-10-26. Review status: criteria provided, single submitter. Criteria: Invitae Variant Classification Sherloc (09022015). Collection method: clinical testing. Allele origin: germline.

NM_001378477.3(NYX):c.510G>C (p.Pro170=)

Gene: NYX (nyctalopin; plus strand). Cytogenetic location: Xp11.4.
Variant type: single nucleotide variant.
Coding change: c.510G>C on transcript NM_001378477.3 (MANE Select); coding-DNA position 510, G replaced by C.
Protein change: p.Pro170=; no amino-acid change (proline 170 retained).
Molecular consequence: synonymous variant.
Genome position (GRCh38, 1-based): chrX:41,473,978, G>C. VCF-style: chrX-41473978-G-C. GRCh37 (hg19) VCF-style: chrX-41333231-G-C.
Other names: c.525G>C (NM_022567.2); c.510G>C, p.Pro170= (NM_022567.3).
Identifiers: ClinVar variation 1140925 (VCV001140925.10), dbSNP rs779716726, ClinGen allele CA10389830.